The following is an entry in ClinVar:

ClinVar aggregate classification (germline): Uncertain significance (1 of 4 stars; one submission).

Conditions:
Charcot-Marie-Tooth disease dominant intermediate B (CMTDIB). Also called: Charcot-Marie-Tooth disease dominant intermediate 1; CMT DI1; Charcot-Marie-Tooth disease dominant intermediate I; CHARCOT-MARIE-TOOTH NEUROPATHY, DOMINANT INTERMEDIATE B. Identifiers: Orphanet 100044, Orphanet 228179, MedGen C1847902, MONDO:0011674, OMIM 606482.

Allele frequency attached by ClinVar (database versions not stated): gnomAD exomes below 0.00001.
gnomAD v4.1: 4 of 1,614,024 alleles (0.00025%); highest among the groups gnomAD compares: Non-Finnish European, 0.00025%; no homozygotes.

Submission:

Labcorp Genetics (formerly Invitae), Labcorp
Classification: Uncertain significance for Charcot-Marie-Tooth disease dominant intermediate B. Last evaluated: 2023-07-21. Review status: criteria provided, single submitter. Criteria: Invitae Variant Classification Sherloc (09022015). Collection method: clinical testing. Allele origin: germline.
Comment: In summary, the available evidence is currently insufficient to determine the role of this variant in disease. Therefore, it has been classified as a Variant of Uncertain Significance. This sequence change replaces glutamic acid, which is acidic and polar, with lysine, which is basic and polar, at codon 82 of the DNM2 protein (p.Glu82Lys). This variant is present in population databases (no rsID available, gnomAD 0.0009%). This variant has not been reported in the literature in individuals affected with DNM2-related conditions. Advanced modeling of protein sequence and biophysical properties (such as structural, functional, and spatial information, amino acid conservation, physicochemical variation, residue mobility, and thermodynamic stability) has been performed at Invitae for this missense variant, however the output from this modeling did not meet the statistical confidence thresholds required to predict the impact of this variant on DNM2 protein function.

NM_001005361.3(DNM2):c.244G>A (p.Glu82Lys)

Gene: DNM2 (dynamin 2; plus strand). Cytogenetic location: 19p13.2.
Variant type: single nucleotide variant.
Coding change: c.244G>A on transcript NM_001005361.3 (MANE Select); coding-DNA position 244, G replaced by A.
Protein change: p.Glu82Lys; replaces glutamic acid 82 with lysine.
Molecular consequence: missense variant.
Genome position (GRCh38, 1-based): chr19:10,772,487, G>A. VCF-style: chr19-10772487-G-A. GRCh37 (hg19) VCF-style: chr19-10883163-G-A.
Other names: c.244G>A, p.Glu82Lys (NM_001005360.3, NM_001005362.3, NM_001190716.2 and 1 more transcripts); short protein forms E82K.
Identifiers: ClinVar variation 3010858 (VCV003010858.3), dbSNP rs1366982576, ClinGen allele CA404041422.